The following is an entry in ClinVar:

ClinVar aggregate classification (germline): Likely pathogenic. Review status: criteria provided, multiple submitters, no conflicts (2 of 4 stars). 2 submissions from 2 submitters: Likely pathogenic (2). Last evaluated 2024-08-15.

Conditions:
Charcot-Marie-Tooth disease, axonal, type 2EE. Also called: CHARCOT-MARIE-TOOTH NEUROPATHY, TYPE 2EE. Identifiers: MedGen C5193076, MONDO:0032728, OMIM 618400.
Mitochondrial DNA depletion syndrome, hepatocerebral form. Identifiers: Orphanet 254871, MedGen C3711385, MONDO:0100512.

Allele frequency attached by ClinVar (database versions not stated): gnomAD exomes below 0.00001; TOPMed below 0.00001; ExAC 0.00001.

Submissions (2):

Natera, Inc.
Classification: Likely pathogenic for Mitochondrial DNA depletion syndrome, hepatocerebral form. Last evaluated: 2024-08-15. Review status: criteria provided, single submitter. Criteria: Natera Variant Classification Schema (03/2026). Collection method: clinical testing. Allele origin: germline.
Comment: The c.462-2A>C variant in MPV17 is a canonical splice acceptor site variant predicted to affect pre-mRNA splicing, which may result in an abnormal transcript and altered protein product. This variant is expected to result in nonsense mediated decay, truncation, or a dysfunctional protein product. This variant is rare in the general population with a frequency below the threshold expected for the associated phenotype(s). Given the available evidence, this variant is classified as Likely Pathogenic.

Baylor Genetics
Classification: Likely pathogenic for Charcot-Marie-Tooth disease, axonal, type 2EE. Last evaluated: 2023-05-15. Review status: criteria provided, single submitter. Criteria: ACMG Guidelines, 2015. Collection method: clinical testing. Allele origin: unknown.

NM_002437.5(MPV17):c.462-2A>C

Gene: MPV17 (mitochondrial inner membrane protein MPV17; minus strand). Cytogenetic location: 2p23.3.
Variant type: single nucleotide variant.
Coding change: c.462-2A>C on transcript NM_002437.5 (MANE Select); the canonical splice acceptor site of the intron before coding-DNA position 462, A replaced by C.
Molecular consequence: splice acceptor variant.
Genome position (GRCh38, 1-based): chr2:27,309,983, T>G on the plus strand (A>C on the coding strand, the complement: MPV17 is on the minus strand). VCF-style: chr2-27309983-T-G. GRCh37 (hg19) VCF-style: chr2-27532851-T-G.
Other names: c.462-2A>C (NM_002437.4).
Identifiers: ClinVar variation 2676674 (VCV002676674.2), dbSNP rs767818298, ClinGen allele CA1575471.
Genomic context (GRCh38, chr2:27,309,983, plus strand): 5'-GTGCCTTCCAGGACAGGTAGGAGTTCCAGATAACAGCAACACATTGGACAACGGCCAACC[T>G]AAGGAACAGGAATAACACAATGAAGAGGAGGAAGGCTAAGCAGTGAGCAAGGGCTGGAGA-3'